The following is an entry in ClinVar:

NM_001134363.3(RBM20):c.419C>A (p.Pro140Gln)

Gene: RBM20 (RNA binding motif protein 20; plus strand). Cytogenetic location: 10q25.2.
Variant type: single nucleotide variant.
Coding change: c.419C>A on transcript NM_001134363.3 (MANE Select); coding-DNA position 419, C replaced by A.
Protein change: p.Pro140Gln; replaces proline 140 with glutamine.
Molecular consequence: missense variant.
Genome position (GRCh38, 1-based): chr10:110,781,028, C>A. VCF-style: chr10-110781028-C-A. GRCh37 (hg19) VCF-style: chr10-112540786-C-A.
Other names: short protein forms P140Q.
Identifiers: ClinVar variation 1738613 (VCV001738613.2), dbSNP rs977645949, ClinGen allele CA378380167.
Genomic context (GRCh38, chr10:110,781,028, plus strand): 5'-TGAACCAAGTCCTCTCCAAAGTGGCCATGTCCCAGCCTCTCTTCAATCAACTGAGGCATC[C>A]GTCTGTGATCACTGGCCCCCACGGCCATGCTGGGGTTCCCCAACATGCTGCAGCCATACC-3'
Protein context (NP_001127835.2, residues 130-150): SQPLFNQLRH[Pro140Gln]SVITGPHGHA

ClinVar aggregate classification (germline): Uncertain significance (1 of 4 stars; one submission).

Conditions:
Cardiovascular phenotype. Identifiers: MedGen CN230736.

Allele frequency attached by ClinVar (database versions not stated): TOPMed 0.00001.
gnomAD v4.1: 2 of 1,551,924 alleles (0.00013%); highest among the groups gnomAD compares: East Asian, 0.0049%; no homozygotes.

Submission:

Ambry Genetics
Classification: Uncertain significance for Cardiovascular phenotype. Last evaluated: 2021-06-14. Review status: criteria provided, single submitter. Criteria: Ambry Variant Classification Scheme 2023. Collection method: clinical testing. Allele origin: germline.
Comment: The p.P140Q variant (also known as c.419C>A), located in coding exon 2 of the RBM20 gene, results from a C to A substitution at nucleotide position 419. The proline at codon 140 is replaced by glutamine, an amino acid with similar properties. This amino acid position is conserved. In addition, the in silico prediction for this alteration is inconclusive. Since supporting evidence is limited at this time, the clinical significance of this alteration remains unclear.